The following is an entry in ClinVar:

ClinVar aggregate classification (germline): Likely pathogenic (1 of 4 stars; one submission).

Conditions:
Thrombophilia due to protein S deficiency, autosomal recessive (THPH6). Identifiers: Orphanet 743, MedGen C3281092, MONDO:0013791, OMIM 614514. Disease mechanism: loss of function.

Submission:

Labcorp Genetics (formerly Invitae), Labcorp
Classification: Likely pathogenic for Thrombophilia due to protein S deficiency, autosomal recessive. Last evaluated: 2022-05-01. Review status: criteria provided, single submitter. Criteria: Invitae Variant Classification Sherloc (09022015). Collection method: clinical testing. Allele origin: germline.
Comment: This variant results in a copy number gain of the genomic region encompassing exon(s) 2 of the PROS1 gene. While the exact position of this variant cannot be determined from the data, sub-genic copy number gains are generally in tandem (PMID: 25640679). This variant is predicted to be out-of-frame, and may result in an absent or disrupted protein product. Loss-of-function variants in PROS1 are known to be pathogenic (PMID: 9241758). This variant has not been reported in the literature in individuals affected with PROS1-related conditions. In summary, the currently available evidence indicates that the variant is pathogenic, but additional data are needed to prove that conclusively. Therefore, this variant has been classified as Likely Pathogenic.

Literature cited by the submitters: PubMed 25640679; PubMed 9241758.

NC_000003.11:g.(?_93646084)_(93647651_?)dup

Gene: PROS1 (protein S; minus strand). Cytogenetic location: 3q11.1.
Variant type: Duplication.
Identifiers: ClinVar variation 2422859 (VCV002422859.4).